The following is an entry in ClinVar:

NM_014633.5(CTR9):c.2109G>A (p.Met703Ile)

Gene: CTR9 (CTR9 homolog, Paf1/RNA polymerase II complex component; plus strand). Cytogenetic location: 11p15.4.
Variant type: single nucleotide variant.
Coding change: c.2109G>A on transcript NM_014633.5 (MANE Select); coding-DNA position 2109, G replaced by A.
Protein change: p.Met703Ile; replaces methionine 703 with isoleucine.
Molecular consequence: missense variant.
Genome position (GRCh38, 1-based): chr11:10,768,491, G>A. VCF-style: chr11-10768491-G-A. GRCh37 (hg19) VCF-style: chr11-10790038-G-A.
Other names: c.2109G>A, p.Met703Ile (NM_001346279.2); short protein forms M703I.
Identifiers: ClinVar variation 2442619 (VCV002442619.1), dbSNP rs2539385086, ClinGen allele CA379674399.

ClinVar aggregate classification (germline): Uncertain significance (1 of 4 stars; one submission).

Submission:

GeneDx
Classification: Uncertain significance. Last evaluated: 2022-08-31. Review status: criteria provided, single submitter. Criteria: GeneDx Variant Classification Process June 2021. Collection method: clinical testing. Allele origin: germline. Affected: yes.
Comment: Not observed at significant frequency in large population cohorts (gnomAD); In silico analysis supports that this missense variant has a deleterious effect on protein structure/function; Has not been previously published as pathogenic or benign to our knowledge